The following is an entry in ClinVar:

NC_000007.13:g.(?_36429636)_(37956139_?)dup

Genes: MATCAP2 (microtubule associated tyrosine carboxypeptidase 2; minus strand), ANLN (anillin, actin binding protein; plus strand), ELMO1 (engulfment and cell motility 1; minus strand), SFRP4 (secreted frizzled related protein 4; minus strand), AOAH (acyloxyacyl hydrolase; minus strand) and 2 more. Cytogenetic location: 7p14.2-14.1.
Variant type: Duplication.
Identifiers: ClinVar variation 1412049 (VCV001412049.4).

ClinVar aggregate classification (germline): Uncertain significance (1 of 4 stars; one submission).

Conditions:
Primary ciliary dyskinesia 6. Also called: Primary Ciliary Dyskinesia 6: TXNDC3-Related Primary Ciliary Dyskinesia. Identifiers: Orphanet 244, MedGen C1970506, MONDO:0012571, OMIM 610852.

Submission:

Labcorp Genetics (formerly Invitae), Labcorp
Classification: Uncertain significance for Primary ciliary dyskinesia 6. Last evaluated: 2021-10-14. Review status: criteria provided, single submitter. Criteria: Invitae Variant Classification Sherloc (09022015). Collection method: clinical testing. Allele origin: germline.
Comment: In summary, the available evidence is currently insufficient to determine the role of this variant in disease. Therefore, it has been classified as a Variant of Uncertain Significance. Experimental studies and prediction algorithms are not available or were not evaluated, and the functional significance of this variant is currently unknown. This variant has not been reported in the literature in individuals affected with NME8-related conditions. A copy number gain of the genomic region encompassing the full coding sequence of the NME8 gene has been identified. The boundaries of this event are unknown as they extend beyond the assayed region for this gene and therefore may encompass additional genes. As the precise location of this event is unknown, it may be in tandem or it may be located elsewhere in the genome.